The following is an entry in ClinVar:

NM_007194.4(CHEK2):c.1542+11T>A

Gene: CHEK2 (checkpoint kinase 2; minus strand). Cytogenetic location: 22q12.1.
Variant type: single nucleotide variant.
Coding change: c.1542+11T>A on transcript NM_007194.4 (MANE Select); 11 bases into the intron after coding-DNA position 1542, T replaced by A.
Molecular consequence: intron variant.
Genome position (GRCh38, 1-based): chr22:28,689,124, A>T on the plus strand (T>A on the coding strand, the complement: CHEK2 is on the minus strand). VCF-style: chr22-28689124-A-T. GRCh37 (hg19) VCF-style: chr22-29085112-A-T.
Other names: c.879+11T>A (NM_001437942.1, NM_001257387.3); c.1341+11T>A (NM_001349956.3); c.1455+11T>A (NM_145862.3); c.1548+11T>A (NM_001438295.1); c.1635+11T>A (NM_001438293.1); c.1584+11T>A (NM_001438294.1); c.1671+11T>A (NM_001005735.3).
Identifiers: ClinVar variation 140812 (VCV000140812.37), dbSNP rs17881716, ClinGen allele CA163630.

ClinVar aggregate classification (germline): Benign/Likely benign. Review status: criteria provided, multiple submitters, no conflicts (2 of 4 stars). 17 submissions from 16 submitters: Benign (10); Likely benign (1). 6 of the submissions do not count toward it. Last evaluated 2026-02-04.

Conditions:
Hereditary cancer-predisposing syndrome. Also called: Neoplastic Syndromes, Hereditary; Tumor predisposition; Hereditary Cancer Syndrome; Hereditary neoplastic syndrome. Identifiers: Orphanet 140162, MedGen C0027672, MeSH D009386, MONDO:0015356.
Hereditary breast ovarian cancer syndrome. Also called: Breast and ovarian cancer; Hereditary breast and ovarian cancer; Hereditary breast and/or ovarian cancer syndrome; BRCA1- and BRCA2-Associated Hereditary Breast and Ovarian Cancer; Hereditary breast and ovarian cancer syndrome; Hereditary breast and ovarian cancer syndrome (HBOC). Identifiers: Orphanet 145, MedGen C0677776, MeSH D061325, MONDO:0003582. Disease mechanism: loss of function.
CHEK2-related cancer predisposition (TPDS4). Also called: TUMOR PREDISPOSITION SYNDROME 4; CANCER PREDISPOSITION SYNDROME, CHEK2-RELATED; CHEK2-related cancer susceptibility. Identifiers: Orphanet 524, MedGen C5882668, MONDO:0700271, OMIM 609265.
Familial cancer of breast. Also called: BREAST CANCER, FAMILIAL; Hereditary breast cancer; hereditary breast carcinoma. Identifiers: Orphanet 227535, MedGen C0346153, MONDO:0016419, OMIM 114480. Disease mechanism: loss of function.
Malignant tumor of breast. Also called: Malignant breast neoplasm; Cancer breast. Identifiers: MedGen C0006142, MONDO:0007254. Disease mechanism: loss of function.

Allele frequency attached by ClinVar (database versions not stated): gnomAD 0.01583 and 0.01603; 1000 Genomes Project 0.01597; TOPMed 0.01768; 1000 Genomes Project 30x 0.01905; ESP Exome Variant Server 0.02280.
gnomAD v4.1: 4,687 of 1,568,954 alleles (0.3%); highest among the groups gnomAD compares: African/African-American, 5.8%; 153 homozygotes.

Submissions (17):

Labcorp Genetics (formerly Invitae), Labcorp
Classification: Benign for Familial cancer of breast. Last evaluated: 2026-02-04. Review status: criteria provided, single submitter. Criteria: Invitae Variant Classification Sherloc (09022015). Collection method: clinical testing. Allele origin: germline.

Center for Genomic Medicine, Rigshospitalet, Copenhagen University Hospital
Classification: Benign. Last evaluated: 2025-03-04. Review status: criteria provided, single submitter. Criteria: ACMG Guidelines, 2015. Collection method: clinical testing. Allele origin: germline.

KCCC/NGS Laboratory, Kuwait Cancer Control Center
Classification: Benign for CHEK2-related cancer predisposition. Last evaluated: 2025-02-01. Review status: criteria provided, single submitter. Criteria: ACMG Guidelines, 2015. Collection method: clinical testing. Allele origin: germline. Affected: no.

KCCC/NGS Laboratory, Kuwait Cancer Control Center
Classification: Benign for Familial cancer of breast. Last evaluated: 2023-07-07. Review status: criteria provided, single submitter. Criteria: ACMG Guidelines, 2015. Collection method: clinical testing. Allele origin: germline. Affected: yes.

National Health Laboratory Service, Universitas Academic Hospital and University of the Free State
Classification: Benign for Hereditary breast ovarian cancer syndrome. Last evaluated: 2022-04-19. Review status: criteria provided, single submitter. Criteria: ACMG Guidelines, 2015. Collection method: clinical testing. Allele origin: germline. Affected: yes. Observed: 13 variant alleles.

Quest Diagnostics Nichols Institute San Juan Capistrano
Classification: Benign. Last evaluated: 2019-03-15. Review status: criteria provided, single submitter. Criteria: Quest Diagnostics criteria. Collection method: clinical testing. Allele origin: germline.

Illumina Laboratory Services, Illumina
Classification: Likely benign for CHEK2-Related Cancer Susceptibility. Last evaluated: 2017-04-27. Review status: criteria provided, single submitter. Criteria: ICSL Variant Classification Criteria 13 December 2019. Collection method: clinical testing. Allele origin: germline.
Comment: This variant was observed as part of a predisposition screen in an ostensibly healthy population. A literature search was performed for the gene, cDNA change, and amino acid change (where applicable). No publications were found based on this search. Allele frequency data from public databases allowed determination this variant is unlikely to cause disease. Therefore, this variant is classified as likely benign.

PreventionGenetics, part of Exact Sciences
Classification: Benign. Last evaluated: 2017-03-20. Review status: criteria provided, single submitter. Criteria: ACMG Guidelines, 2015. Collection method: clinical testing. Allele origin: germline.

Color Diagnostics, LLC DBA Color Health
Classification: Benign for Hereditary cancer-predisposing syndrome. Last evaluated: 2015-04-06. Review status: criteria provided, single submitter. Criteria: ACMG Guidelines, 2015. Collection method: clinical testing. Allele origin: germline.

GeneDx
Classification: Benign. Last evaluated: 2015-03-03. Review status: criteria provided, single submitter. Criteria: GeneDx Variant Classification Process June 2021. Collection method: clinical testing. Allele origin: germline. Affected: yes.

Ambry Genetics
Classification: Benign for Hereditary cancer-predisposing syndrome. Last evaluated: 2012-08-14. Review status: criteria provided, single submitter. Criteria: Ambry Autosomal Dominant and X-Linked criteria (10/2015). Collection method: clinical testing. Allele origin: germline. Observed: 1 variant allele.
Comment: General population or subpopulation frequency is too high to be a pathogenic mutation based on disease/syndrome prevalence and penetrance

Counsyl
Classification: Benign for Familial cancer of breast. Last evaluated: 2016-02-16. Review status: no assertion criteria provided. Collection method: clinical testing. Allele origin: unknown. Not counted in ClinVar's aggregate classification.

Clinical Genetics Laboratory, Department of Pathology, Netherlands Cancer Institute
Classification: Benign. Review status: no assertion criteria provided. Collection method: clinical testing. Allele origin: germline. Affected: yes. Study: VKGL Data-share Consensus. Not counted in ClinVar's aggregate classification.

Department of Pathology and Laboratory Medicine, Sinai Health System
Classification: Benign for Malignant tumor of breast. Review status: no assertion criteria provided. Collection method: clinical testing. Allele origin: unknown. Affected: yes. Observed: 1 variant allele. Study: The Canadian Open Genetics Repository (COGR). Not counted in ClinVar's aggregate classification.
Comment: The CHEK2 c.1542+11T>A variant was not identified in the literature nor was it identified in the Cosmic, MutDB or Zhejiang Colon Cancer databases. The variant was identified in the following databases: dbSNP (ID: rs17881716) as "With Likely benign allele", in ClinVar (classified as benign 2x, likely benign 2x), and Clinvitae (classified as benign 2x, likely benign 2x). The variant was identified in control databases in 1364 of 259656 chromosomes (43 homozygous) at a frequency of 0.005 increasing the likelihood this could be a low frequency benign variant (Genome Aggregation Consortium Feb 27, 2017). The variant was identified in the following populations at a frequency greater than 1%: African in 1294 of 22484 chromosomes (freq: 0.06). The variant occurs outside of the splicing consensus sequence and in silico or computational prediction software programs (SpliceSiteFinder, MaxEntScan, NNSPLICE, GeneSplicer, HumanSpliceFinder) do not predict a difference in splicing. In summary, based on the above information this variant meets our laboratory's criteria to be classified as benign.

Genome Diagnostics Laboratory, Amsterdam University Medical Center
Classification: Benign. Review status: no assertion criteria provided. Collection method: clinical testing. Allele origin: germline. Affected: yes. Study: VKGL Data-share Consensus. Not counted in ClinVar's aggregate classification.

Joint Genome Diagnostic Labs from Nijmegen and Maastricht, Radboudumc and MUMC+
Classification: Benign. Review status: no assertion criteria provided. Collection method: clinical testing. Allele origin: germline. Affected: yes. Study: VKGL Data-share Consensus. Not counted in ClinVar's aggregate classification.

Laboratory of Diagnostic Genome Analysis, Leiden University Medical Center (LUMC)
Classification: Likely benign. Review status: no assertion criteria provided. Collection method: clinical testing. Allele origin: germline. Affected: yes. Study: VKGL Data-share Consensus. Not counted in ClinVar's aggregate classification.

Literature cited by the submitters: PubMed 18297428 (cited by Counsyl).